The following is an entry in ClinVar:

ClinVar aggregate classification (germline): Benign/Likely benign. Review status: criteria provided, multiple submitters, no conflicts (2 of 4 stars). 10 submissions from 10 submitters: Benign (5); Likely benign (3). 2 of the submissions do not count toward it. Last evaluated 2026-02-03.

Conditions:
Deafness, congenital heart defects, and posterior embryotoxon (DCHE). Identifiers: MedGen C1866053, MONDO:0060713, OMIM 617992.
Alagille syndrome due to a JAG1 point mutation. Also called: Alagille Syndrome 1; HEPATIC DUCTULAR HYPOPLASIA, SYNDROMATIC; JAG1-Related Alagille Syndrome. Identifiers: Orphanet 261619, Orphanet 52, MedGen C1956125, MONDO:0016862, OMIM 118450.
Charcot-Marie-Tooth disease, axonal, Type 2HH. Also called: CHARCOT-MARIE-TOOTH NEUROPATHY, TYPE 2HH. Identifiers: MedGen C5562003, MONDO:0030458, OMIM 619574.
Tetralogy of Fallot (TOF). Identifiers: Orphanet 3303, MedGen C0039685, MONDO:0008542, OMIM 187500, HP:0001636.

Allele frequency attached by ClinVar (database versions not stated): 1000 Genomes Project 0.00379; 1000 Genomes Project 30x 0.00484; ESP Exome Variant Server 0.00561; gnomAD 0.00615 and 0.00618; TOPMed 0.00648; gnomAD exomes 0.00687 and 0.00857; ExAC 0.00749.
gnomAD v4.1: 12,285 of 1,476,638 alleles (0.83%); highest among the groups gnomAD compares: Middle Eastern, 1%; 60 homozygotes.

Submissions (10):

Labcorp Genetics (formerly Invitae), Labcorp
Classification: Benign for Alagille syndrome due to a JAG1 point mutation. Last evaluated: 2026-02-03. Review status: criteria provided, single submitter. Criteria: Invitae Variant Classification Sherloc (09022015). Collection method: clinical testing. Allele origin: germline.

Genomic Medicine Center of Excellence, King Faisal Specialist Hospital and Research Centre
Classification: Likely benign. Last evaluated: 2025-08-18. Review status: criteria provided, single submitter. Criteria: ACMG Guidelines, 2015. Collection method: clinical testing. Allele origin: germline.

Blueprint Genetics
Classification: Likely benign. Last evaluated: 2024-11-28. Review status: criteria provided, single submitter. Criteria: ACMG Guidelines, 2015. Collection method: clinical testing. Allele origin: germline.

Mayo Clinic Laboratories, Mayo Clinic
Classification: Benign. Last evaluated: 2022-07-26. Review status: criteria provided, single submitter. Criteria: ACMG Guidelines, 2015. Collection method: clinical testing. Allele origin: germline. Observed: 5 variant alleles.
Comment: BS1, BS2, BP4, BP7

Fulgent Genetics
Classification: Likely benign for Alagille syndrome due to a JAG1 point mutation; Tetralogy of Fallot; Deafness, congenital heart defects, and posterior embryotoxon; Charcot-Marie-Tooth disease, axonal, Type 2HH. Last evaluated: 2021-10-03. Review status: criteria provided, single submitter. Criteria: ACMG Guidelines, 2015. Collection method: clinical testing. Allele origin: unknown.

GeneDx
Classification: Benign. Last evaluated: 2015-03-03. Review status: criteria provided, single submitter. Criteria: GeneDx Variant Classification Process June 2021. Collection method: clinical testing. Allele origin: germline. Affected: yes.

Breakthrough Genomics
Classification: Benign. Review status: criteria provided, single submitter. Criteria: ACMG Guidelines, 2015. Collection method: not provided. Allele origin: germline. Inheritance: Autosomal dominant inheritance. Affected: yes.

PreventionGenetics, part of Exact Sciences
Classification: Benign. Review status: criteria provided, single submitter. Criteria: ACMG Guidelines, 2015. Collection method: clinical testing. Allele origin: germline.

Clinical Genetics DNA and cytogenetics Diagnostics Lab, Erasmus MC, Erasmus Medical Center
Classification: Benign. Review status: no assertion criteria provided. Collection method: clinical testing. Allele origin: germline. Affected: yes. Study: VKGL Data-share Consensus. Not counted in ClinVar's aggregate classification.

Clinical Genetics, Academic Medical Center
Classification: Benign. Review status: no assertion criteria provided. Collection method: clinical testing. Allele origin: germline. Affected: yes. Study: VKGL Data-share Consensus. Not counted in ClinVar's aggregate classification.

NM_000214.3(JAG1):c.2459-17A>C

Gene: JAG1 (jagged canonical Notch ligand 1; minus strand). Cytogenetic location: 20p12.2.
Variant type: single nucleotide variant.
Coding change: c.2459-17A>C on transcript NM_000214.3 (MANE Select); 17 bases into the intron before coding-DNA position 2459, A replaced by C.
Molecular consequence: intron variant.
Genome position (GRCh38, 1-based): chr20:10,642,618, T>G on the plus strand (A>C on the coding strand, the complement: JAG1 is on the minus strand). VCF-style: chr20-10642618-T-G. GRCh37 (hg19) VCF-style: chr20-10623266-T-G.
Other names: p.?; c.2459-17A>C (LRG_1191t1).
Identifiers: ClinVar variation 255552 (VCV000255552.18), dbSNP rs35891274, ClinGen allele CA9764486.